The following is an entry in ClinVar:

ClinVar aggregate classification (germline): Uncertain significance (1 of 4 stars; one submission).

gnomAD v4.1: 1 of 1,610,102 alleles (0.000062%); highest among the groups gnomAD compares: Non-Finnish European, 0.000085%; no homozygotes.

Submission:

GeneDx
Classification: Uncertain significance. Last evaluated: 2023-05-05. Review status: criteria provided, single submitter. Criteria: GeneDx Variant Classification Process June 2021. Collection method: clinical testing. Allele origin: germline. Affected: yes.
Comment: Not observed at significant frequency in large population cohorts (gnomAD); In silico analysis supports that this missense variant does not alter protein structure/function; Has not been previously published as pathogenic or benign to our knowledge

NM_001199799.2(ILDR1):c.1402T>C (p.Tyr468His)

Gene: ILDR1 (immunoglobulin like domain containing receptor 1; minus strand). Cytogenetic location: 3q13.33.
Variant type: single nucleotide variant.
Coding change: c.1402T>C on transcript NM_001199799.2 (MANE Select); coding-DNA position 1402, T replaced by C.
Protein change: p.Tyr468His; replaces tyrosine 468 with histidine.
Molecular consequence: missense variant.
Genome position (GRCh38, 1-based): chr3:121,993,347, A>G on the plus strand (T>C on the coding strand, the complement: ILDR1 is on the minus strand). VCF-style: chr3-121993347-A-G. GRCh37 (hg19) VCF-style: chr3-121712194-A-G.
Other names: c.1135T>C, p.Tyr379His (NM_001199800.2); c.1270T>C, p.Tyr424His (NM_175924.4); short protein forms Y379H, Y424H, Y468H.
Identifiers: ClinVar variation 3343234 (VCV003343234.1).
Genomic context (GRCh38, chr3:121,993,347, plus strand): 5'-GCCTCTCCTTGTCCTCTTCAGAGCTCCAGGAACTGAGGCCGGAGGGCAAGGGAGGAGAGT[A>G]GCTGCGGTGCCTGCGTCGTCTCCCGTGCCTCTGAGTGCTCTCCCGGGGGCTGGGCCTGCG-3'
Protein context (NP_001186728.1, residues 458-478): RHGRRRRHRS[Tyr468His]SPPLPSGLSS